The following is an entry in ClinVar:

ClinVar aggregate classification (germline): Likely benign (1 of 4 stars; one submission).

Conditions:
PLXNA3-related disorder. Also called: PLXNA3-related condition.

gnomAD v4.1: 5 of 1,172,646 alleles (0.00043%); highest among the groups gnomAD compares: South Asian, 0.0019%; no homozygotes.

Submission:

PreventionGenetics, part of Exact Sciences
Classification: Likely benign for PLXNA3-related condition. Last evaluated: 2025-01-19. Review status: criteria provided, single submitter. Criteria: ACMG Guidelines, 2015. Collection method: clinical testing. Allele origin: germline.
Comment: This variant is classified as likely benign based on ACMG/AMP sequence variant interpretation guidelines (Richards et al. 2015 PMID: 25741868, with internal and published modifications).

NM_017514.5(PLXNA3):c.3442-6C>T

Gene: PLXNA3 (plexin A3; plus strand). Cytogenetic location: Xq28.
Variant type: single nucleotide variant.
Coding change: c.3442-6C>T on transcript NM_017514.5 (MANE Select); 6 bases into the intron before coding-DNA position 3442, C replaced by T.
Molecular consequence: intron variant.
Genome position (GRCh38, 1-based): chrX:154,467,539, C>T. VCF-style: chrX-154467539-C-T. GRCh37 (hg19) VCF-style: chrX-153695882-C-T.
Identifiers: ClinVar variation 4998671 (VCV004998671.1).